The following is an entry in ClinVar:

ClinVar aggregate classification (germline): Conflicting classifications of pathogenicity. Review status: criteria provided, conflicting classifications (1 of 4 stars). 6 submissions from 6 submitters: Likely pathogenic (2); Uncertain significance (4). Last evaluated 2024-11-21.

Conditions:
Hereditary cancer-predisposing syndrome. Also called: Tumor predisposition; Neoplastic Syndromes, Hereditary; Hereditary Cancer Syndrome; Hereditary neoplastic syndrome. Identifiers: Orphanet 140162, MedGen C0027672, MeSH D009386, MONDO:0015356.
Hereditary breast ovarian cancer syndrome. Also called: Breast and ovarian cancer; Hereditary breast and ovarian cancer; BRCA1- and BRCA2-Associated Hereditary Breast and Ovarian Cancer; Hereditary breast and ovarian cancer syndrome; Hereditary breast and/or ovarian cancer syndrome; Hereditary breast and ovarian cancer syndrome (HBOC). Identifiers: Orphanet 145, MedGen C0677776, MeSH D061325, MONDO:0003582. Disease mechanism: loss of function.
Ataxia-telangiectasia syndrome (AT). Also called: Ataxia-telangiectasia; LOUIS-BAR SYNDROME; Ataxia-telangiectasia, complementation group D; AT, COMPLEMENTATION GROUP C; ATAXIA-TELANGIECTASIA, COMPLEMENTATION GROUP A; ATAXIA-TELANGIECTASIA, FRESNO VARIANT. Identifiers: Orphanet 100, MedGen C0004135, MONDO:0008840, OMIM 208900.

Submissions (6):

Ambry Genetics
Classification: Likely pathogenic for Hereditary cancer-predisposing syndrome. Last evaluated: 2024-11-21. Review status: criteria provided, single submitter. Criteria: Ambry Variant Classification Scheme 2023. Collection method: clinical testing. Allele origin: germline.
Comment: The c.8268G>A variant (also known as p.K2756K), located in coding exon 55 of the ATM gene, results from a G to A substitution at nucleotide position 8268. This nucleotide substitution does not change the Lysine at codon 2756. However, this change occurs in the last base pair of coding exon 55, which makes it likely to have some effect on normal mRNA splicing. This nucleotide position is highly conserved in available vertebrate species. In silico splice site analysis predicts that this alteration will weaken the native splice donor site. RNA studies have demonstrated that this alteration results in abnormal splicing in the set of samples tested (Ambry internal data). Based on the majority of available evidence to date, this variant is likely to be pathogenic.

German Consortium for Hereditary Breast and Ovarian Cancer, University Hospital Cologne
Classification: Likely pathogenic for Hereditary breast ovarian cancer syndrome. Last evaluated: 2024-10-11. Review status: criteria provided, single submitter. Criteria: ClinGen ATM V1.3.0. Collection method: curation. Allele origin: germline.
Comment: PVS1(RNA): RNA studies have demonstrated that this alteration results in abnormal splicing in the set of samples tested (Ambry Genetics internal data/communication); According to the ClinGen ACMG ATM v1.3.0 criteria we chose these criteria: PVS1 (very strong pathogenic): PVS1(RNA): RNA studies have demonstrated that this alteration results in abnormal splicing in the set of samples tested (Ambry internal data): Anfrage an Ambry Genetics ergab folgende Antwort: Ambry RNA studies detected substantial aberrant splicing resulting in exon skipping (r.8152_8268del) associated with this variant. This in frame event occurs in the kinase (FATKIN) domain and is considered critical for protein function. Our assay was performed on blood samples and we do not use NMD inhibitors. NMD is known to be relatively inactive in blood cells, and we are routinely able to detect transcripts that contain premature stop codons for most genes. We cannot release details regarding quantitation because our assay isn’t validated as a quantitative assay. --> laut ATM PVS1/PVS1(RNA) Guide --> PVS1_VST, PM2 (supporting pathogenic): absent from gnomAD

Blueprint Genetics
Classification: Uncertain significance. Last evaluated: 2024-08-29. Review status: criteria provided, single submitter. Criteria: ACMG Guidelines, 2015. Collection method: clinical testing. Allele origin: germline.

Women's Health and Genetics/Laboratory Corporation of America, LabCorp
Classification: Uncertain significance. Last evaluated: 2021-09-29. Review status: criteria provided, single submitter. Criteria: LabCorp Variant Classification Summary - May 2015. Collection method: clinical testing. Allele origin: germline.
Comment: Variant summary: ATM c.8268G>A (p.Lys2756Lys) alters a conserved nucleotide located close to a canonical splice site and therefore could affect mRNA splicing, leading to a significantly altered protein sequence. Several computational tools predict a significant impact on normal splicing: three predict the variant weakens a 5' donor site, while one predicts the variant abolishes a 5' splicing donor site. However, these predictions have yet to be confirmed by functional studies. The variant was absent in 250702 control chromosomes (gnomAD). The available data on variant occurrences in the general population are insufficient to allow any conclusion about variant significance. To our knowledge, no occurrence of c.8268G>A in individuals affected with Ataxia-Telangiectasia and no experimental evidence demonstrating its impact on protein function have been reported. No clinical diagnostic laboratories have submitted clinical-significance assessments for this variant to ClinVar after 2014. Based on the evidence outlined above, the variant was classified as uncertain significance.

Labcorp Genetics (formerly Invitae), Labcorp
Classification: Uncertain significance for Ataxia-telangiectasia syndrome. Last evaluated: 2021-06-24. Review status: criteria provided, single submitter. Criteria: Invitae Variant Classification Sherloc (09022015). Collection method: clinical testing. Allele origin: germline.
Comment: This sequence change affects codon 2756 of the ATM mRNA. It is a 'silent' change, meaning that it does not change the encoded amino acid sequence of the ATM protein. This variant also falls at the last nucleotide of exon 56, which is part of the consensus splice site for this exon. This variant is not present in population databases (ExAC no frequency). This variant has not been reported in the literature in individuals with ATM-related conditions. Nucleotide substitutions within the consensus splice site are a relatively common cause of aberrant splicing (PMID: 17576681, 9536098). Algorithms developed to predict the effect of sequence changes on RNA splicing suggest that this variant may disrupt the consensus splice site, but this prediction has not been confirmed by published transcriptional studies. In summary, the available evidence is currently insufficient to determine the role of this variant in disease. Therefore, it has been classified as a Variant of Uncertain Significance.

Color Diagnostics, LLC DBA Color Health
Classification: Uncertain significance for Hereditary cancer-predisposing syndrome. Last evaluated: 2021-06-08. Review status: criteria provided, single submitter. Criteria: ACMG Guidelines, 2015. Collection method: clinical testing. Allele origin: germline.
Comment: This variant is a synonymous variant located in the terminal guanine of exon 56 of the ATM gene. Splice site prediction tools suggest that this variant may impact RNA splicing. To our knowledge, RNA functional studies have not been reported for this variant. This variant has not been reported in individuals affected with hereditary cancer in the literature. This variant has not been identified in the general population by the Genome Aggregation Database (gnomAD). The available evidence is insufficient to determine the role of this variant in disease conclusively. Therefore, this variant is classified as a Variant of Uncertain Significance.

Literature cited by the submitters: PubMed 17576681 (cited by Labcorp Genetics (formerly Invitae), Labcorp); PubMed 9536098 (cited by Labcorp Genetics (formerly Invitae), Labcorp).

NM_000051.4(ATM):c.8268G>A (p.Lys2756=)

Genes: ATM (ATM serine/threonine kinase; plus strand), C11orf65 (chromosome 11 open reading frame 65; minus strand). Cytogenetic location: 11q22.3.
Variant type: single nucleotide variant.
Coding change: c.8268G>A on transcript NM_000051.4 (MANE Select); coding-DNA position 8268, G replaced by A.
Protein change: p.Lys2756=; no amino-acid change (lysine 2756 retained).
Molecular consequence: synonymous variant. On other transcripts: intron variant (2).
Genome position (GRCh38, 1-based): chr11:108,335,961, G>A. VCF-style: chr11-108335961-G-A. GRCh37 (hg19) VCF-style: chr11-108206688-G-A.
Other names: c.8268G>A, p.Lys2756= (NM_001351834.2); c.641-26890C>T (NM_001330368.2); c.695-669C>T (NM_001351110.2).
Identifiers: ClinVar variation 1301318 (VCV001301318.15), dbSNP rs1555128642, ClinGen allele CA476678218.
Genomic context (GRCh38, chr11:108,335,961, plus strand): 5'-TACATTACTGCAGAGAAACACGGAAACTAGGAAGAGGAAATTAACTATCTGTACTTATAA[G>A]GTAACTATTTGTACTTCTGTTAGTTCACCAAAAACATATAAAAGATGCCATTTGGTTGGG-3'
Protein context (NP_000042.3, residues 2746-2766): RKRKLTICTY[Lys2756=]VVPLSQRSGV